The following is an entry in ClinVar:

NM_000482.4(APOA4):c.1006G>A (p.Val336Met)

Gene: APOA4 (apolipoprotein A4; minus strand). Cytogenetic location: 11q23.3.
Variant type: single nucleotide variant.
Coding change: c.1006G>A on transcript NM_000482.4 (MANE Select); coding-DNA position 1006, G replaced by A.
Protein change: p.Val336Met; replaces valine 336 with methionine.
Molecular consequence: missense variant.
Genome position (GRCh38, 1-based): chr11:116,821,052, C>T on the plus strand (G>A on the coding strand, the complement: APOA4 is on the minus strand). VCF-style: chr11-116821052-C-T. GRCh37 (hg19) VCF-style: chr11-116691768-C-T.
Other names: short protein forms V336M.
Identifiers: ClinVar variation 1524279 (VCV001524279.31), dbSNP rs145761354, ClinGen allele CA6289259.

ClinVar aggregate classification (germline): Conflicting classifications of pathogenicity. Review status: criteria provided, conflicting classifications (1 of 4 stars). 2 submissions from 2 submitters: Uncertain significance (1); Likely benign (1). Last evaluated 2026-07-01.

Allele frequency attached by ClinVar (database versions not stated): 1000 Genomes Project 30x 0.00016; 1000 Genomes Project 0.00020; ExAC 0.00055; ESP Exome Variant Server 0.00077; gnomAD 0.00080 and 0.00081.

Submissions (2):

CeGaT Center for Human Genetics Tuebingen
Classification: Likely benign. Last evaluated: 2026-07-01. Review status: criteria provided, single submitter. Criteria: CeGaT Center For Human Genetics Tuebingen Variant Classification Criteria Version 2. Collection method: clinical testing. Allele origin: germline. Affected: yes. Observed: 2 variant alleles.
Comment: APOA4: BP4

Labcorp Genetics (formerly Invitae), Labcorp
Classification: Uncertain significance. Last evaluated: 2026-01-14. Review status: criteria provided, single submitter. Criteria: Invitae Variant Classification Sherloc (09022015). Collection method: clinical testing. Allele origin: germline.
Comment: This sequence change replaces valine, which is neutral and non-polar, with methionine, which is neutral and non-polar, at codon 336 of the APOA4 protein (p.Val336Met). This variant is present in population databases (rs145761354, gnomAD 0.1%), and has an allele count higher than expected for a pathogenic variant. This missense change has been observed in individual(s) with dyslipidemia and/or low HDL cholesterol and coronary artery disease (PMID: 33130088, 36325899). ClinVar contains an entry for this variant (Variation ID: 1524279). Invitae Evidence Modeling of protein sequence and biophysical properties (such as structural, functional, and spatial information, amino acid conservation, physicochemical variation, residue mobility, and thermodynamic stability) indicates that this missense variant is not expected to disrupt APOA4 protein function with a negative predictive value of 80%. Experimental studies are conflicting or provide insufficient evidence to determine the effect of this variant on APOA4 function (PMID: 33130088). In summary, the available evidence is currently insufficient to determine the role of this variant in disease. Therefore, it has been classified as a Variant of Uncertain Significance.

Literature cited by the submitters: PubMed 33130088 (cited by Labcorp Genetics (formerly Invitae), Labcorp); PubMed 36325899 (cited by Labcorp Genetics (formerly Invitae), Labcorp).